The following is an entry in ClinVar:

ClinVar aggregate classification (germline): Pathogenic (1 of 4 stars; one submission).

Conditions:
Ehlers-Danlos syndrome, dermatosparaxis type. Also called: EDS VIIC; Dermatosparaxis; Ehlers-Danlos syndrome, type VII, autosomal recessive. Identifiers: Orphanet 1901, MedGen C2700425, MONDO:0009161, OMIM 225410.

Submission:

Myriad Genetics, Inc.
Classification: Pathogenic for Ehlers-Danlos syndrome, dermatosparaxis type. Last evaluated: 2025-05-10. Review status: criteria provided, single submitter. Criteria: Myriad Autosomal Dominant, Autosomal Recessive and X-Linked Classification Criteria (2023). Collection method: clinical testing. Allele origin: unknown.
Comment: NM_014244.4(ADAMTS2):c.15_24dup10(R9Gfs*60) is expected to be pathogenic in the context of Ehlers-Danlos syndrome, ADAMTS2-related. This variant is predicted to lead to an abnormal or absent protein product due to the creation of a premature termination codon in ADAMTS2, a gene where loss-of-function variants are known to be pathogenic. Please note: this variant was assessed in the context of healthy population screening.

NM_014244.5(ADAMTS2):c.15_24dup (p.Arg9fs)

Gene: ADAMTS2 (ADAM metallopeptidase with thrombospondin type 1 motif 2; minus strand). Cytogenetic location: 5q35.3.
Variant type: Duplication.
Coding change: c.15_24dup on transcript NM_014244.5 (MANE Select); coding-DNA positions 15 to 24, 10 bases duplicated (GGGAGCCGCT; older notation c.15_24dupGGGAGCCGCT).
Protein change: p.Arg9fs; shifts the reading frame from arginine 9.
Molecular consequence: frameshift variant.
Genome position (GRCh38, 1-based): chr5:179,345,305-179,345,314, AGCGGCTCCC duplicated on the plus strand (GGGAGCCGCT on the coding strand, the reverse complement: ADAMTS2 is on the minus strand). VCF-style (leftmost placement, unchanged base first): chr5-179345304-G-GAGCGGCTCCC. GRCh37 (hg19) VCF-style: chr5-178772305-G-GAGCGGCTCCC.
Other names: c.15_24dup, p.Arg9fs (NM_021599.4); short protein forms R9fs.
Identifiers: ClinVar variation 5014421 (VCV005014421.1).